The following is an entry in ClinVar:

ClinVar aggregate classification (germline): Uncertain significance (1 of 4 stars; one submission).

gnomAD v4.1: 2 of 1,614,180 alleles (0.00012%); highest among the groups gnomAD compares: Non-Finnish European, 0.00017%; no homozygotes.

Submission:

GeneDx
Classification: Uncertain significance. Last evaluated: 2026-02-28. Review status: criteria provided, single submitter. Criteria: GeneDx Variant Classification Process June 2021. Collection method: clinical testing. Allele origin: germline.
Comment: Not observed at significant frequency in large population cohorts (gnomAD); In silico analysis suggests that this missense variant does not alter protein structure/function; Has not been previously published as pathogenic or benign to our knowledge

NM_016729.3(FOLR1):c.568A>G (p.Asn190Asp)

Genes: FOLR1 (folate receptor alpha; plus strand), FOLR1-AS1 (FOLR1 antisense RNA 1; minus strand). Cytogenetic location: 11q13.4.
Variant type: single nucleotide variant.
Coding change: c.568A>G on transcript NM_016729.3 (MANE Select); coding-DNA position 568, A replaced by G.
Protein change: p.Asn190Asp; replaces asparagine 190 with aspartic acid.
Molecular consequence: missense variant.
Genome position (GRCh38, 1-based): chr11:72,195,971, A>G. VCF-style: chr11-72195971-A-G. GRCh37 (hg19) VCF-style: chr11-71907015-A-G.
Other names: c.568A>G, p.Asn190Asp (NM_000802.3, NM_016724.3, NM_016725.3); short protein forms N190D.
Identifiers: ClinVar variation 5010085 (VCV005010085.1).
Genomic context (GRCh38, chr11:72,195,971, plus strand): 5'-GCAGTGGGAGCTGCCTGCCAACCTTTCCATTTCTACTTCCCCACACCCACTGTTCTGTGC[A>G]ATGAAATCTGGACTCACTCCTACAAGGTCAGCAACTACAGCCGAGGGAGTGGCCGCTGCA-3'
Protein context (NP_057941.1, residues 180-200): FYFPTPTVLC[Asn190Asp]EIWTHSYKVS